The following is an entry in ClinVar:

NM_000548.5(TSC2):c.851C>G (p.Ala284Gly)

Gene: TSC2 (TSC complex subunit 2; plus strand). Cytogenetic location: 16p13.3.
Variant type: single nucleotide variant.
Coding change: c.851C>G on transcript NM_000548.5 (MANE Select); coding-DNA position 851, C replaced by G.
Protein change: p.Ala284Gly; replaces alanine 284 with glycine.
Molecular consequence: missense variant.
Genome position (GRCh38, 1-based): chr16:2,058,749, C>G. VCF-style: chr16-2058749-C-G. GRCh37 (hg19) VCF-style: chr16-2108750-C-G.
Other names: c.704C>G, p.Ala235Gly (NM_001318829.2); c.251C>G, p.Ala84Gly (NM_001318831.2); c.884C>G, p.Ala295Gly (NM_001318832.2); c.851C>G, p.Ala284Gly (NM_001363528.2, NM_001370404.1, NM_001370405.1 and 3 more transcripts); c.740C>G, p.Ala247Gly (NM_001318827.2); c.851C>G (NM_000548.3); short protein forms A235G, A247G, A284G, A295G, A84G.
Identifiers: ClinVar variation 1007888 (VCV001007888.9), dbSNP rs1195702502, ClinGen allele CA394314908.

ClinVar aggregate classification (germline): Uncertain significance. Review status: criteria provided, multiple submitters, no conflicts (2 of 4 stars). 2 submissions from 2 submitters: Uncertain significance (2). Last evaluated 2026-07-02.

Conditions:
Hereditary cancer-predisposing syndrome. Also called: Tumor predisposition; Hereditary Cancer Syndrome; Hereditary neoplastic syndrome; Neoplastic Syndromes, Hereditary. Identifiers: Orphanet 140162, MedGen C0027672, MeSH D009386, MONDO:0015356.
Tuberous sclerosis 2 (TSC2). Identifiers: Orphanet 805, MedGen C1860707, MONDO:0013199, OMIM 613254.

Submissions (2):

Ambry Genetics
Classification: Uncertain significance for Hereditary cancer-predisposing syndrome. Last evaluated: 2026-07-02. Review status: criteria provided, single submitter. Criteria: Ambry Variant Classification Scheme 2023. Collection method: clinical testing. Allele origin: germline.
Comment: The p.A284G variant (also known as c.851C>G), located in coding exon 9 of the TSC2 gene, results from a C to G substitution at nucleotide position 851. The alanine at codon 284 is replaced by glycine, an amino acid with similar properties. This amino acid position is conserved. In addition, the in silico prediction for this alteration is inconclusive. Based on the available evidence, the clinical significance of this variant remains unclear.

Labcorp Genetics (formerly Invitae), Labcorp
Classification: Uncertain significance for Tuberous sclerosis 2. Last evaluated: 2023-11-10. Review status: criteria provided, single submitter. Criteria: Invitae Variant Classification Sherloc (09022015). Collection method: clinical testing. Allele origin: germline.
Comment: This sequence change replaces alanine, which is neutral and non-polar, with glycine, which is neutral and non-polar, at codon 284 of the TSC2 protein (p.Ala284Gly). This variant is not present in population databases (gnomAD no frequency). This variant has not been reported in the literature in individuals affected with TSC2-related conditions. ClinVar contains an entry for this variant (Variation ID: 1007888). An algorithm developed to predict the effect of missense changes on protein structure and function (PolyPhen-2) suggests that this variant is likely to be tolerated. In summary, the available evidence is currently insufficient to determine the role of this variant in disease. Therefore, it has been classified as a Variant of Uncertain Significance.